The following is an entry in ClinVar:

NM_177550.5(SLC13A5):c.1308_1322del (p.Gln436_Leu440del)

Gene: SLC13A5 (solute carrier family 13 member 5; minus strand). Cytogenetic location: 17p13.1.
Variant type: Deletion.
Coding change: c.1308_1322del on transcript NM_177550.5 (MANE Select); coding-DNA positions 1308 to 1322, 15 bases deleted (GATGGAGCCCTTGCA).
Protein change: p.Gln436_Leu440del.
Molecular consequence: inframe deletion.
Genome position (GRCh38, 1-based): chr17:6,690,894-6,690,908, TGCAAGGGCTCCATC deleted on the plus strand (GATGGAGCCCTTGCA on the coding strand, the reverse complement: SLC13A5 is on the minus strand); deleting any 15 consecutive bases within chr17:6,690,894-6,690,911 gives the same sequence; the c. name uses the placement nearest the transcript's 3' end. VCF-style (leftmost placement, unchanged base first): chr17-6690893-GTGCAAGGGCTCCATC-G. GRCh37 (hg19) VCF-style: chr17-6594212-GTGCAAGGGCTCCATC-G.
Other names: c.1308_1322del, p.Gln436_Leu440del (NM_001143838.3); c.1257_1271del, p.Gln419_Leu423del (NM_001284509.2); c.1179_1193del, p.Gln393_Leu397del (NM_001284510.2).
Identifiers: ClinVar variation 1008241 (VCV001008241.9), dbSNP rs1197782289, ClinGen allele CA624859632.
Genomic context (GRCh38, chr17:6,690,893, plus strand): 5'-CTCAGTGAACACGGCAACGAGCAAGGACAAGATCAAGGTGATGGCTGCCGGGGGCACTGC[GTGCAAGGGCTCCATC>G]TGCTTCCCCATCCACACGGACAGCCCCGAGGCCTGGGAAGCACCAGGAGGGCAGTCATCT-3'

ClinVar aggregate classification (germline): Uncertain significance (1 of 4 stars; one submission).

Conditions:
Developmental and epileptic encephalopathy, 25 (DEE25). Also called: Epileptic encephalopathy, early infantile, 25; Developmental and epileptic encephalopathy 25, with amelogenesis imperfecta; Epileptic encephalopathy, early infantile, 25, with amelogenesis imperfecta. Identifiers: Orphanet 442835, MedGen C4014621, MONDO:0014392, OMIM 615905.

Submission:

Labcorp Genetics (formerly Invitae), Labcorp
Classification: Uncertain significance for Developmental and epileptic encephalopathy, 25. Last evaluated: 2024-02-24. Review status: criteria provided, single submitter. Criteria: Invitae Variant Classification Sherloc (09022015). Collection method: clinical testing. Allele origin: germline.
Comment: This variant, c.1308_1322del, results in the deletion of 5 amino acid(s) of the SLC13A5 protein (p.Gln436_Leu440del), but otherwise preserves the integrity of the reading frame. This variant is present in population databases (no rsID available, gnomAD 0.0009%). This variant has not been reported in the literature in individuals affected with SLC13A5-related conditions. ClinVar contains an entry for this variant (Variation ID: 1008241). Experimental studies and prediction algorithms are not available or were not evaluated, and the functional significance of this variant is currently unknown. In summary, the available evidence is currently insufficient to determine the role of this variant in disease. Therefore, it has been classified as a Variant of Uncertain Significance.